The following is an entry in ClinVar:

ClinVar aggregate classification (germline): Benign/Likely benign. Review status: criteria provided, multiple submitters, no conflicts (2 of 4 stars). 5 submissions from 5 submitters: Benign (4); Likely benign (1). Last evaluated 2026-08-01.

Conditions:
Pitt-Hopkins-like syndrome 2 (PTHSL2). Identifiers: Orphanet 221150, Orphanet 600663, MedGen C3280479, MONDO:0013690, OMIM 614325.

Allele frequency attached by ClinVar (database versions not stated): 1000 Genomes Project 0.00200; 1000 Genomes Project 30x 0.00219; TOPMed 0.00437; ExAC 0.00460; gnomAD exomes 0.00465; gnomAD 0.00472 and 0.00475; ESP Exome Variant Server 0.00510.
gnomAD v4.1: 9,819 of 1,463,702 alleles (0.67%); highest among the groups gnomAD compares: Non-Finnish European, 0.79%; 53 homozygotes.

Submissions (5):

CeGaT Center for Human Genetics Tuebingen
Classification: Likely benign. Last evaluated: 2026-08-01. Review status: criteria provided, single submitter. Criteria: CeGaT Center For Human Genetics Tuebingen Variant Classification Criteria Version 2. Collection method: clinical testing. Allele origin: germline. Affected: yes. Observed: 9 variant alleles.
Comment: NRXN1: BS2

Labcorp Genetics (formerly Invitae), Labcorp
Classification: Benign for Pitt-Hopkins-like syndrome 2. Last evaluated: 2026-02-03. Review status: criteria provided, single submitter. Criteria: Invitae Variant Classification Sherloc (09022015). Collection method: clinical testing. Allele origin: germline.

Eurofins Ntd Llc (ga)
Classification: Benign. Last evaluated: 2014-02-15. Review status: criteria provided, single submitter. Criteria: EGL Classification Definitions 2015. Collection method: clinical testing. Allele origin: germline. Observed: 1 variant allele, 1 heterozygote.

GeneDx
Classification: Benign. Last evaluated: 2012-04-09. Review status: criteria provided, single submitter. Criteria: GeneDx Variant Classification (06012015). Collection method: clinical testing. Allele origin: germline. Affected: yes.
Comment: This variant is considered likely benign or benign based on one or more of the following criteria: it is a conservative change, it occurs at a poorly conserved position in the protein, it is predicted to be benign by multiple in silico algorithms, and/or has population frequency not consistent with disease.

Breakthrough Genomics
Classification: Benign. Review status: criteria provided, single submitter. Criteria: ACMG Guidelines, 2015. Collection method: not provided. Allele origin: germline. Inheritance: Autosomal recessive inheritance. Affected: yes.

NM_001330078.2(NRXN1):c.1760-16C>T

Gene: NRXN1 (neurexin 1; minus strand). Cytogenetic location: 2p16.3.
Variant type: single nucleotide variant.
Coding change: c.1760-16C>T on transcript NM_001330078.2 (MANE Select); 16 bases into the intron before coding-DNA position 1760, C replaced by T.
Molecular consequence: intron variant.
Genome position (GRCh38, 1-based): chr2:50,538,652, G>A on the plus strand (C>T on the coding strand, the complement: NRXN1 is on the minus strand). VCF-style: chr2-50538652-G-A. GRCh37 (hg19) VCF-style: chr2-50765790-G-A.
Other names: c.1676-16C>T (NM_001330096.2, NM_001330087.2); c.1721-16C>T (NM_001330083.2, NM_001330084.2); c.1706-16C>T (NM_001330088.2); c.1757-16C>T (NM_001330093.2); c.1748-16C>T (NM_001330094.2); c.1736-16C>T (NM_001330095.2, NM_001330082.2, NM_001330077.2); c.1760-16C>T (NM_001330085.2, NM_004801.6, NM_001330086.2); c.1880-16C>T (NM_001135659.3).
Identifiers: ClinVar variation 138551 (VCV000138551.36), dbSNP rs79422704, ClinGen allele CA295628.
Genomic context (GRCh38, chr2:50,538,652, plus strand): 5'-CAGGAGCAGTGTAGGGAGTACGCAACGTGTTGACAGAAATGGTACCTATTTCAAAGAGAG[G>A]AGAATGCACAGGTCTTTAAAAAGCACCAACGTGTTATAATTATCTTTCTCTCTTTCGTCT-3'